The following is an entry in ClinVar:

NM_001369369.1(FOXN1):c.961C>T (p.His321Tyr)

Gene: FOXN1 (forkhead box N1; plus strand). Cytogenetic location: 17q11.2.
Variant type: single nucleotide variant.
Coding change: c.961C>T on transcript NM_001369369.1 (MANE Select); coding-DNA position 961, C replaced by T.
Protein change: p.His321Tyr; replaces histidine 321 with tyrosine.
Molecular consequence: missense variant.
Genome position (GRCh38, 1-based): chr17:28,534,364, C>T. VCF-style: chr17-28534364-C-T. GRCh37 (hg19) VCF-style: chr17-26861382-C-T.
Other names: c.961C>T, p.His321Tyr (NM_003593.3); short protein forms H321Y.
Identifiers: ClinVar variation 958979 (VCV000958979.7), dbSNP rs1597566413, ClinGen allele CA398324488.

ClinVar aggregate classification (germline): Uncertain significance (1 of 4 stars; one submission).

Conditions:
T-cell immunodeficiency, congenital alopecia, and nail dystrophy. Also called: Congenital alopecia and nail dystrophy associated with severe functional T-cell immunodeficiency; Pignata Guarino syndrome. Identifiers: Orphanet 169095, MedGen C1866426, MONDO:0011132, OMIM 601705.

Submission:

Labcorp Genetics (formerly Invitae), Labcorp
Classification: Uncertain significance for T-cell immunodeficiency, congenital alopecia, and nail dystrophy. Last evaluated: 2023-04-01. Review status: criteria provided, single submitter. Criteria: Invitae Variant Classification Sherloc (09022015). Collection method: clinical testing. Allele origin: germline.
Comment: This variant is not present in population databases (gnomAD no frequency). This missense change has been observed in individual(s) with severe T-cell lymphopenia (Invitae). ClinVar contains an entry for this variant (Variation ID: 958979). Advanced modeling of protein sequence and biophysical properties (such as structural, functional, and spatial information, amino acid conservation, physicochemical variation, residue mobility, and thermodynamic stability) has been performed at Invitae for this missense variant, however the output from this modeling did not meet the statistical confidence thresholds required to predict the impact of this variant on FOXN1 protein function. This variant disrupts the p.His321 amino acid residue in FOXN1. Other variant(s) that disrupt this residue have been observed in individuals with FOXN1-related conditions (PMID: 31447097), which suggests that this may be a clinically significant amino acid residue. In summary, the available evidence is currently insufficient to determine the role of this variant in disease. Therefore, it has been classified as a Variant of Uncertain Significance. This sequence change replaces histidine, which is basic and polar, with tyrosine, which is neutral and polar, at codon 321 of the FOXN1 protein (p.His321Tyr).

Literature cited by the submitters: PubMed 31447097.